The following is an entry in ClinVar:

NM_002711.4(PPP1R3A):c.1351G>A (p.Val451Met)

Gene: PPP1R3A (protein phosphatase 1 regulatory subunit 3A; minus strand). Cytogenetic location: 7q31.1.
Variant type: single nucleotide variant.
Coding change: c.1351G>A on transcript NM_002711.4 (MANE Select); coding-DNA position 1351, G replaced by A.
Protein change: p.Val451Met; replaces valine 451 with methionine.
Molecular consequence: missense variant.
Genome position (GRCh38, 1-based): chr7:113,879,741, C>T on the plus strand (G>A on the coding strand, the complement: PPP1R3A is on the minus strand). VCF-style: chr7-113879741-C-T. GRCh37 (hg19) VCF-style: chr7-113519796-C-T.
Other names: short protein forms V451M.
Identifiers: ClinVar variation 1233474 (VCV001233474.8), dbSNP rs2974942, ClinGen allele CA4445281.

ClinVar aggregate classification (germline): Benign. Review status: criteria provided, multiple submitters, no conflicts (2 of 4 stars). 4 submissions from 4 submitters: Benign (3). 1 of the submissions does not count toward it. Last evaluated 2021-10-25.

Conditions:
PPP1R3A-related disorder. Also called: PPP1R3A-related condition.
Type 2 diabetes mellitus. Also called: Type II diabetes mellitus. Identifiers: MedGen C0011860, MeSH D003924, MONDO:0005148, OMIM 125853, HP:0005978.

Allele frequency attached by ClinVar (database versions not stated): 1000 Genomes Project 30x 0.96846; 1000 Genomes Project 0.97005; ESP Exome Variant Server 0.97070; TOPMed 0.97137; gnomAD 0.97316 and 0.97473; ExAC 0.99161; gnomAD exomes 0.99290 and 0.99707.
gnomAD v4.1: 1,604,831 of 1,613,292 alleles (99%); highest among the groups gnomAD compares: East Asian, 100%; 798,473 homozygotes.

Submissions (4):

Genome-Nilou Lab
Classification: Benign for Type 2 diabetes mellitus. Last evaluated: 2021-10-25. Review status: criteria provided, single submitter. Criteria: ACMG Guidelines, 2015. Collection method: clinical testing. Allele origin: germline. Affected: no.

GeneDx
Classification: Benign. Last evaluated: 2021-06-09. Review status: criteria provided, single submitter. Criteria: GeneDx Variant Classification Process June 2021. Collection method: clinical testing. Allele origin: germline. Affected: yes.

Breakthrough Genomics
Classification: Benign. Review status: criteria provided, single submitter. Criteria: ACMG Guidelines, 2015. Collection method: not provided. Allele origin: germline. Inheritance: Autosomal dominant inheritance. Affected: yes.

PreventionGenetics, part of Exact Sciences
Classification: Benign for PPP1R3A-related condition. Last evaluated: 2019-11-06. Review status: no assertion criteria provided. Collection method: clinical testing. Allele origin: germline. Not counted in ClinVar's aggregate classification.
Comment: This variant is classified as benign based on ACMG/AMP sequence variant interpretation guidelines (Richards et al. 2015 PMID: 25741868, with internal and published modifications).